The following is an entry in ClinVar:

ClinVar aggregate classification (germline): Uncertain significance (1 of 4 stars; one submission).

gnomAD v4.1: 3 of 1,614,046 alleles (0.00019%); highest among the groups gnomAD compares: South Asian, 0.0033%; no homozygotes.

Submission:

Labcorp Genetics (formerly Invitae), Labcorp
Classification: Uncertain significance. Last evaluated: 2025-10-29. Review status: criteria provided, single submitter. Criteria: Invitae Variant Classification Sherloc (09022015). Collection method: clinical testing. Allele origin: germline.
Comment: This sequence change replaces phenylalanine, which is neutral and non-polar, with isoleucine, which is neutral and non-polar, at codon 594 of the IL23R protein (p.Phe594Ile). This variant is present in population databases (rs533280065, gnomAD 0.006%). This variant has not been reported in the literature in individuals affected with IL23R-related conditions. An algorithm developed to predict the effect of missense changes on protein structure and function (PolyPhen-2) suggests that this variant is likely to be tolerated. In summary, the available evidence is currently insufficient to determine the role of this variant in disease. Therefore, it has been classified as a Variant of Uncertain Significance.

NM_144701.3(IL23R):c.1780T>A (p.Phe594Ile)

Gene: IL23R (interleukin 23 receptor; plus strand). Cytogenetic location: 1p31.3.
Variant type: single nucleotide variant.
Coding change: c.1780T>A on transcript NM_144701.3 (MANE Select); coding-DNA position 1780, T replaced by A.
Protein change: p.Phe594Ile; replaces phenylalanine 594 with isoleucine.
Molecular consequence: missense variant.
Genome position (GRCh38, 1-based): chr1:67,259,018, T>A. VCF-style: chr1-67259018-T-A. GRCh37 (hg19) VCF-style: chr1-67724701-T-A.
Other names: short protein forms F594I.
Identifiers: ClinVar variation 4810858 (VCV004810858.1).